The following is an entry in ClinVar:

ClinVar aggregate classification (germline): Uncertain significance (1 of 4 stars; one submission).

Allele frequency attached by ClinVar (database versions not stated): ExAC 0.00001; gnomAD 0.00003; gnomAD exomes 0.00005; 1000 Genomes Project 30x 0.00016; 1000 Genomes Project 0.00020.
gnomAD v4.1: 68 of 1,610,620 alleles (0.0042%); highest among the groups gnomAD compares: East Asian, 0.15%; no homozygotes.

Submission:

Labcorp Genetics (formerly Invitae), Labcorp
Classification: Uncertain significance. Last evaluated: 2022-01-17. Review status: criteria provided, single submitter. Criteria: Invitae Variant Classification Sherloc (09022015). Collection method: clinical testing. Allele origin: germline.
Comment: Algorithms developed to predict the effect of missense changes on protein structure and function (SIFT, PolyPhen-2, Align-GVGD) all suggest that this variant is likely to be tolerated. In summary, the available evidence is currently insufficient to determine the role of this variant in disease. Therefore, it has been classified as a Variant of Uncertain Significance. This sequence change replaces glutamic acid, which is acidic and polar, with lysine, which is basic and polar, at codon 66 of the DYM protein (p.Glu66Lys). This variant has not been reported in the literature in individuals affected with DYM-related conditions. This variant is present in population databases (rs201369063, gnomAD 0.01%).

NM_001353214.3(DYM):c.196G>A (p.Glu66Lys)

Gene: DYM (dymeclin; minus strand). Cytogenetic location: 18q21.1.
Variant type: single nucleotide variant.
Coding change: c.196G>A on transcript NM_001353214.3 (MANE Select); coding-DNA position 196, G replaced by A.
Protein change: p.Glu66Lys; replaces glutamic acid 66 with lysine.
Molecular consequence: missense variant. On other transcripts: intron variant (5).
Genome position (GRCh38, 1-based): chr18:49,379,756, C>T on the plus strand (G>A on the coding strand, the complement: DYM is on the minus strand). VCF-style: chr18-49379756-C-T. GRCh37 (hg19) VCF-style: chr18-46906126-C-T.
Other names: c.196G>A, p.Glu66Lys (NM_001353210.3, NM_001353213.3, NM_001353215.3 and 12 more transcripts); c.193G>A, p.Glu65Lys (NM_001353211.3, NM_001353212.3, NM_001374429.1 and 1 more transcripts); c.193+11837G>A (NM_001374443.1, NM_001374444.1, NM_001374442.1 and 2 more transcripts); short protein forms E65K, E66K.
Identifiers: ClinVar variation 1932611 (VCV001932611.5), dbSNP rs201369063, ClinGen allele CA8958463.